The following is an entry in ClinVar:

NM_012281.3(KCND2):c.302C>A (p.Thr101Asn)

Gene: KCND2 (potassium voltage-gated channel subfamily D member 2; plus strand). Cytogenetic location: 7q31.31.
Variant type: single nucleotide variant.
Coding change: c.302C>A on transcript NM_012281.3 (MANE Select); coding-DNA position 302, C replaced by A.
Protein change: p.Thr101Asn; replaces threonine 101 with asparagine.
Molecular consequence: missense variant.
Genome position (GRCh38, 1-based): chr7:120,274,934, C>A. VCF-style: chr7-120274934-C-A. GRCh37 (hg19) VCF-style: chr7-119914988-C-A.
Other names: short protein forms T101N.
Identifiers: ClinVar variation 1376124 (VCV001376124.6), dbSNP rs2116242599, ClinGen allele CA369131291.

ClinVar aggregate classification (germline): Uncertain significance (1 of 4 stars; one submission).

Conditions:
Early Myoclonic Encephalopathy. Identifiers: MedGen C0270855.

gnomAD v4.1: 1 of 1,614,126 alleles (0.000062%); highest among the groups gnomAD compares: Non-Finnish European, 0.000085%; no homozygotes.

Submission:

Labcorp Genetics (formerly Invitae), Labcorp
Classification: Uncertain significance for Early Myoclonic Encephalopathy. Last evaluated: 2022-10-17. Review status: criteria provided, single submitter. Criteria: Invitae Variant Classification Sherloc (09022015). Collection method: clinical testing. Allele origin: germline.
Comment: ClinVar contains an entry for this variant (Variation ID: 1376124). This variant has not been reported in the literature in individuals affected with KCND2-related conditions. This variant is not present in population databases (gnomAD no frequency). This sequence change replaces threonine, which is neutral and polar, with asparagine, which is neutral and polar, at codon 101 of the KCND2 protein (p.Thr101Asn). Advanced modeling of protein sequence and biophysical properties (such as structural, functional, and spatial information, amino acid conservation, physicochemical variation, residue mobility, and thermodynamic stability) performed at Invitae indicates that this missense variant is not expected to disrupt KCND2 protein function. In summary, the available evidence is currently insufficient to determine the role of this variant in disease. Therefore, it has been classified as a Variant of Uncertain Significance.